The following is an entry in ClinVar:

NM_012452.3(TNFRSF13B):c.121G>A (p.Asp41Asn)

Gene: TNFRSF13B (TNF receptor superfamily member 13B; minus strand). Cytogenetic location: 17p11.2.
Variant type: single nucleotide variant.
Coding change: c.121G>A on transcript NM_012452.3 (MANE Select); coding-DNA position 121, G replaced by A.
Protein change: p.Asp41Asn; replaces aspartic acid 41 with asparagine.
Molecular consequence: missense variant.
Genome position (GRCh38, 1-based): chr17:16,952,524, C>T on the plus strand (G>A on the coding strand, the complement: TNFRSF13B is on the minus strand). VCF-style: chr17-16952524-C-T. GRCh37 (hg19) VCF-style: chr17-16855838-C-T.
Other names: short protein forms D41N.
Identifiers: ClinVar variation 1522382 (VCV001522382.8), dbSNP rs67951770, ClinGen allele CA8414108.

ClinVar aggregate classification (germline): Uncertain significance (1 of 4 stars; one submission).

Conditions:
Immunodeficiency, common variable, 2 (CVID2). Also called: ANTIBODY DEFICIENCY DUE TO TACI DEFECT; HYPOGAMMAGLOBULINEMIA DUE TO TACI DEFICIENCY. Identifiers: Orphanet 1572, MedGen C3150354, MONDO:0009413, OMIM 240500.

Allele frequency attached by ClinVar (database versions not stated): 1000 Genomes Project 30x 0.00031; 1000 Genomes Project 0.00040.

Submission:

Labcorp Genetics (formerly Invitae), Labcorp
Classification: Uncertain significance for Immunodeficiency, common variable, 2. Last evaluated: 2021-05-21. Review status: criteria provided, single submitter. Criteria: Invitae Variant Classification Sherloc (09022015). Collection method: clinical testing. Allele origin: germline.
Comment: In summary, the available evidence is currently insufficient to determine the role of this variant in disease. Therefore, it has been classified as a Variant of Uncertain Significance. Algorithms developed to predict the effect of missense changes on protein structure and function are either unavailable or do not agree on the potential impact of this missense change (SIFT: "Deleterious"; PolyPhen-2: "Probably Damaging"; Align-GVGD: "Class C0"). This variant has not been reported in the literature in individuals with TNFRSF13B-related conditions. This variant is present in population databases (rs67951770, ExAC 0.02%). This sequence change replaces aspartic acid with asparagine at codon 41 of the TNFRSF13B protein (p.Asp41Asn). The aspartic acid residue is highly conserved and there is a small physicochemical difference between aspartic acid and asparagine.